The following is an entry in ClinVar:

NM_001370658.1(BTD):c.1253A>G (p.Tyr418Cys)

Gene: BTD (biotinidase; plus strand). Cytogenetic location: 3p25.1.
Variant type: single nucleotide variant.
Coding change: c.1253A>G on transcript NM_001370658.1 (MANE Select); coding-DNA position 1253, A replaced by G.
Protein change: p.Tyr418Cys; replaces tyrosine 418 with cysteine.
Molecular consequence: missense variant. On other transcripts: intron variant (2).
Genome position (GRCh38, 1-based): chr3:15,645,169, A>G. VCF-style: chr3-15645169-A-G. GRCh37 (hg19) VCF-style: chr3-15686676-A-G.
Other names: c.1313A>G, p.Tyr438Cys (NM_000060.4); c.1253A>G, p.Tyr418Cys (NM_001281723.4, NM_001281724.3, NM_001281725.3 and 16 more transcripts); c.1015+238A>G (NM_001370752.1); c.399+3112A>G (NM_001370753.1); short protein forms Y418C.
Identifiers: ClinVar variation 2203319 (VCV002203319.5), dbSNP rs397514415, ClinGen allele CA278324.

ClinVar aggregate classification (germline): Likely pathogenic. Review status: criteria provided, multiple submitters, no conflicts (2 of 4 stars). 2 submissions from 2 submitters: Likely pathogenic (2). Last evaluated 2022-09-30.

Conditions:
Biotinidase deficiency. Also called: BTD deficiency; Late-onset biotin-responsive multiple carboxylase deficiency; Biotin deficiency. Identifiers: Orphanet 79241, MedGen C0220754, MONDO:0009665, OMIM 253260.
BTD-related disorder. Also called: BTD-related condition.

Allele frequency attached by ClinVar (database versions not stated): gnomAD exomes below 0.00001.
gnomAD v4.1: 1 of 1,614,200 alleles (0.000062%); highest among the groups gnomAD compares: Non-Finnish European, 0.000085%; no homozygotes.

Submissions (2):

Labcorp Genetics (formerly Invitae), Labcorp
Classification: Likely pathogenic for Biotinidase deficiency. Last evaluated: 2022-09-30. Review status: criteria provided, single submitter. Criteria: Invitae Variant Classification Sherloc (09022015). Collection method: clinical testing. Allele origin: germline.
Comment: In summary, the currently available evidence indicates that the variant is pathogenic, but additional data are needed to prove that conclusively. Therefore, this variant has been classified as Likely Pathogenic. Advanced modeling of protein sequence and biophysical properties (such as structural, functional, and spatial information, amino acid conservation, physicochemical variation, residue mobility, and thermodynamic stability) performed at Invitae indicates that this missense variant is expected to disrupt BTD protein function. This missense change has been observed in individual(s) with biotinidase deficiency (PMID: 12359137, 28649539). This variant is not present in population databases (gnomAD no frequency). This sequence change replaces tyrosine, which is neutral and polar, with cysteine, which is neutral and slightly polar, at codon 438 of the BTD protein (p.Tyr438Cys).

Blueprint Genetics
Classification: Likely pathogenic for BTD-related disorders. Last evaluated: 2020-12-21. Review status: criteria provided, single submitter. Criteria: ACMG Guidelines, 2015. Collection method: clinical testing. Allele origin: germline. Affected: yes. Observed: 1 variant allele.

Literature cited by the submitters: PubMed 12359137 (cited by Labcorp Genetics (formerly Invitae), Labcorp); PubMed 28649539 (cited by Labcorp Genetics (formerly Invitae), Labcorp).